The following is an entry in ClinVar:

NM_020337.3(ANKRD50):c.1563C>T (p.Ala521=)

Gene: ANKRD50 (ankyrin repeat domain 50; minus strand). Cytogenetic location: 4q28.1.
Variant type: single nucleotide variant.
Coding change: c.1563C>T on transcript NM_020337.3 (MANE Select); coding-DNA position 1563, C replaced by T.
Protein change: p.Ala521=; no amino-acid change (alanine 521 retained).
Molecular consequence: synonymous variant.
Genome position (GRCh38, 1-based): chr4:124,671,714, G>A on the plus strand (C>T on the coding strand, the complement: ANKRD50 is on the minus strand). VCF-style: chr4-124671714-G-A. GRCh37 (hg19) VCF-style: chr4-125592869-G-A.
Other names: c.1026C>T, p.Ala342= (NM_001167882.2).
Identifiers: ClinVar variation 2655075 (VCV002655075.24), dbSNP rs114589928, ClinGen allele CA3071448.

ClinVar aggregate classification (germline): Likely benign (1 of 4 stars; one submission).

Allele frequency attached by ClinVar (database versions not stated): 1000 Genomes Project 0.00419; 1000 Genomes Project 30x 0.00484; ExAC 0.00487; TOPMed 0.00511; gnomAD 0.00526; ESP Exome Variant Server 0.00584; gnomAD exomes 0.00875.
gnomAD v4.1: 13,520 of 1,613,844 alleles (0.84%); highest among the groups gnomAD compares: Non-Finnish European, 1%; 83 homozygotes.

Submission:

CeGaT Center for Human Genetics Tuebingen
Classification: Likely benign. Last evaluated: 2023-05-01. Review status: criteria provided, single submitter. Criteria: CeGaT Center For Human Genetics Tuebingen Variant Classification Criteria Version 2. Collection method: clinical testing. Allele origin: germline. Affected: yes. Observed: 1 variant allele.
Comment: ANKRD50: BP4, BP7, BS2